The following is an entry in ClinVar:

NM_170601.5(SIAE):c.478A>G (p.Ile160Val)

Gene: SIAE (sialic acid acetylesterase; minus strand). Cytogenetic location: 11q24.2.
Variant type: single nucleotide variant.
Coding change: c.478A>G on transcript NM_170601.5 (MANE Select); coding-DNA position 478, A replaced by G.
Protein change: p.Ile160Val; replaces isoleucine 160 with valine.
Molecular consequence: missense variant.
Genome position (GRCh38, 1-based): chr11:124,654,721, T>C on the plus strand (A>G on the coding strand, the complement: SIAE is on the minus strand). VCF-style: chr11-124654721-T-C. GRCh37 (hg19) VCF-style: chr11-124524617-T-C.
Other names: c.373A>G, p.Ile125Val (NM_001199922.2); short protein forms I125V, I160V.
Identifiers: ClinVar variation 2007480 (VCV002007480.4), dbSNP rs923063841, ClinGen allele CA230395091.
Genomic context (GRCh38, chr11:124,654,721, plus strand): 5'-TGGGCTTAGACCACTGCAAGTCAACCGCAACAAGGTCCTCCAGCTCCTGCTCTGCTTGAA[T>C]GGGAGAGACAGAGAGGATGCGGACAGACTGATATGCCGCAGTGTTAGACAACTCCCTTGT-3'
Protein context (NP_733746.1, residues 150-170): QSVRILSVSP[Ile160Val]QAEQELEDLV

ClinVar aggregate classification (germline): Uncertain significance (1 of 4 stars; one submission).

Allele frequency attached by ClinVar (database versions not stated): gnomAD exomes below 0.00001.
gnomAD v4.1: 1 of 1,614,166 alleles (0.000062%); highest among the groups gnomAD compares: Admixed American, 0.0017%; no homozygotes.

Submission:

Labcorp Genetics (formerly Invitae), Labcorp
Classification: Uncertain significance. Last evaluated: 2022-09-04. Review status: criteria provided, single submitter. Criteria: Invitae Variant Classification Sherloc (09022015). Collection method: clinical testing. Allele origin: germline.
Comment: This sequence change replaces isoleucine, which is neutral and non-polar, with valine, which is neutral and non-polar, at codon 160 of the SIAE protein (p.Ile160Val). This variant is not present in population databases (gnomAD no frequency). This variant has not been reported in the literature in individuals affected with SIAE-related conditions. Algorithms developed to predict the effect of missense changes on protein structure and function output the following: SIFT: "Tolerated"; PolyPhen-2: "Benign"; Align-GVGD: "Class C0". The valine amino acid residue is found in multiple mammalian species, which suggests that this missense change does not adversely affect protein function. In summary, the available evidence is currently insufficient to determine the role of this variant in disease. Therefore, it has been classified as a Variant of Uncertain Significance.